The following is an entry in ClinVar:

ClinVar aggregate classification (germline): Uncertain significance. Review status: criteria provided, multiple submitters, no conflicts (2 of 4 stars). 2 submissions from 2 submitters: Uncertain significance (2). Last evaluated 2025-11-19.

Allele frequency attached by ClinVar (database versions not stated): 1000 Genomes Project 30x 0.00031; TOPMed 0.00002; 1000 Genomes Project 0.00020; gnomAD 0.00003; ExAC 0.00007.
gnomAD v4.1: 37 of 1,614,136 alleles (0.0023%); highest among the groups gnomAD compares: East Asian, 0.042%; 1 homozygote.

Submissions (2):

Ambry Genetics
Classification: Uncertain significance. Last evaluated: 2025-11-19. Review status: criteria provided, single submitter. Criteria: Ambry Variant Classification Scheme 2023. Collection method: clinical testing. Allele origin: germline.

Women's Health and Genetics/Laboratory Corporation of America, LabCorp
Classification: Uncertain significance. Last evaluated: 2024-04-18. Review status: criteria provided, single submitter. Criteria: LabCorp Variant Classification Summary - May 2015. Collection method: clinical testing. Allele origin: germline.
Comment: Variant summary: LARS1 c.478A>G (p.Ile160Val) results in a conservative amino acid change in the encoded protein sequence. Four of five in-silico tools predict a damaging effect of the variant on protein function. The variant allele was found at a frequency of 6.7e-05 in 282824 control chromosomes in the gnomAD database, including 1 homozygote. This frequency is not significantly higher than estimated for a pathogenic variant in LARS1 causing Liver Failure Acute Infantile, Type 1 (6.7e-05 vs 0.0011), allowing no conclusion about variant significance. c.478A>G has been reported in the literature in an individual affected with Liver Failure Acute Infantile, Type 1 (Zheng_2024). These data do not allow any conclusion about variant significance. To our knowledge, no experimental evidence demonstrating an impact on protein function has been reported. The following publication has been ascertained in the context of this evaluation (PMID: 37314652). No submitters have cited clinical-significance assessments for this variant to ClinVar. Based on the evidence outlined above, the variant was classified as uncertain significance.

Literature cited by the submitters: PubMed 37314652 (cited by Women's Health and Genetics/Laboratory Corporation of America, LabCorp).

NM_020117.11(LARS1):c.478A>G (p.Ile160Val)

Gene: LARS1 (leucyl-tRNA synthetase 1; minus strand). Cytogenetic location: 5q32.
Variant type: single nucleotide variant.
Coding change: c.478A>G on transcript NM_020117.11 (MANE Select); coding-DNA position 478, A replaced by G.
Protein change: p.Ile160Val; replaces isoleucine 160 with valine.
Molecular consequence: missense variant.
Genome position (GRCh38, 1-based): chr5:146,164,426, T>C on the plus strand (A>G on the coding strand, the complement: LARS1 is on the minus strand). VCF-style: chr5-146164426-T-C. GRCh37 (hg19) VCF-style: chr5-145543989-T-C.
Other names: c.340A>G, p.Ile114Val (NM_001317964.2); c.316A>G, p.Ile106Val (NM_001317965.2); c.397A>G, p.Ile133Val (NM_016460.4); short protein forms I114V, I133V, I160V, I106V.
Identifiers: ClinVar variation 3117914 (VCV003117914.3), dbSNP rs201463704, ClinGen allele CA3489918.